The following is an entry in ClinVar:

NM_005732.4(RAD50):c.2006T>G (p.Phe669Cys)

Gene: RAD50 (RAD50 double strand break repair protein; plus strand). Cytogenetic location: 5q31.1.
Variant type: single nucleotide variant.
Coding change: c.2006T>G on transcript NM_005732.4 (MANE Select); coding-DNA position 2006, T replaced by G.
Protein change: p.Phe669Cys; replaces phenylalanine 669 with cysteine.
Molecular consequence: missense variant.
Genome position (GRCh38, 1-based): chr5:132,595,609, T>G. VCF-style: chr5-132595609-T-G. GRCh37 (hg19) VCF-style: chr5-131931301-T-G.
Other names: short protein forms F669C.
Identifiers: ClinVar variation 457395 (VCV000457395.8), dbSNP rs1554098674, ClinGen allele CA360949335.

ClinVar aggregate classification (germline): Uncertain significance. Review status: criteria provided, multiple submitters, no conflicts (2 of 4 stars). 2 submissions from 2 submitters: Uncertain significance (2). Last evaluated 2025-06-08.

Conditions:
Hereditary cancer-predisposing syndrome. Also called: Neoplastic Syndromes, Hereditary; Tumor predisposition; Hereditary Cancer Syndrome; Hereditary neoplastic syndrome. Identifiers: Orphanet 140162, MedGen C0027672, MeSH D009386, MONDO:0015356.

Submissions (2):

Ambry Genetics
Classification: Uncertain significance for Hereditary cancer-predisposing syndrome. Last evaluated: 2025-06-08. Review status: criteria provided, single submitter. Criteria: Ambry Variant Classification Scheme 2023. Collection method: clinical testing. Allele origin: germline.
Comment: The p.F669C variant (also known as c.2006T>G), located in coding exon 13 of the RAD50 gene, results from a T to G substitution at nucleotide position 2006. The phenylalanine at codon 669 is replaced by cysteine, an amino acid with highly dissimilar properties. This amino acid position is conserved. In addition, this alteration is predicted to be deleterious by in silico analysis. Based on the available evidence, the clinical significance of this variant remains unclear.

Labcorp Genetics (formerly Invitae), Labcorp
Classification: Uncertain significance for Hereditary cancer-predisposing syndrome. Last evaluated: 2022-10-24. Review status: criteria provided, single submitter. Criteria: Invitae Variant Classification Sherloc (09022015). Collection method: clinical testing. Allele origin: germline.
Comment: Advanced modeling of protein sequence and biophysical properties (such as structural, functional, and spatial information, amino acid conservation, physicochemical variation, residue mobility, and thermodynamic stability) performed at Invitae indicates that this missense variant is expected to disrupt RAD50 protein function. ClinVar contains an entry for this variant (Variation ID: 457395). This variant has not been reported in the literature in individuals affected with RAD50-related conditions. This variant is not present in population databases (gnomAD no frequency). This sequence change replaces phenylalanine, which is neutral and non-polar, with cysteine, which is neutral and slightly polar, at codon 669 of the RAD50 protein (p.Phe669Cys). In summary, the available evidence is currently insufficient to determine the role of this variant in disease. Therefore, it has been classified as a Variant of Uncertain Significance.